The following is an entry in ClinVar:

NM_000455.5(STK11):c.759_760delinsAT (p.Tyr253_Pro254delinsTer)

Gene: STK11 (serine/threonine kinase 11; plus strand). Cytogenetic location: 19p13.3.
Variant type: Indel.
Coding change: c.759_760delinsAT on transcript NM_000455.5 (MANE Select); coding-DNA positions 759 to 760, CC replaced by AT.
Protein change: p.Tyr253_Pro254delinsTer.
Molecular consequence: nonsense. On other transcripts: non-coding transcript variant (1).
Genome position (GRCh38, 1-based): chr19:1,221,237-1,221,238, CC replaced by AT. VCF-style: chr19-1221237-CC-AT. GRCh37 (hg19) VCF-style: chr19-1221236-CC-AT.
Other names: c.759_760delinsAT, p.Tyr253_Pro254delinsTer (NM_001407255.1); short protein forms Y253*.
Identifiers: ClinVar variation 3254359 (VCV003254359.1), dbSNP rs2512945065.

ClinVar aggregate classification (germline): Pathogenic (1 of 4 stars; one submission).

Conditions:
Peutz-Jeghers syndrome (PJS). Also called: POLYPOSIS, HAMARTOMATOUS INTESTINAL; POLYPS-AND-SPOTS SYNDROME; Peutz-Jeghers polyposis; Periorificial lentiginosis syndrome. Identifiers: Orphanet 2869, MedGen C0031269, MeSH D010580, MONDO:0008280, OMIM 175200.

Submission:

Myriad Genetics, Inc.
Classification: Pathogenic for Peutz-Jeghers syndrome. Last evaluated: 2024-04-01. Review status: criteria provided, single submitter. Criteria: Myriad Autosomal Dominant, Autosomal Recessive and X-Linked Classification Criteria (2023). Collection method: clinical testing. Allele origin: unknown.
Comment: This variant is considered pathogenic. This variant creates a termination codon and is predicted to result in premature protein truncation.